The following is an entry in ClinVar:

ClinVar aggregate classification (germline): Likely benign (1 of 4 stars; one submission).

Conditions:
BDP1-related disorder. Also called: BDP1-related condition.

gnomAD v4.1: 4 of 1,611,760 alleles (0.00025%); highest among the groups gnomAD compares: Non-Finnish European, 0.00034%; no homozygotes.

Submission:

PreventionGenetics, part of Exact Sciences
Classification: Likely benign for BDP1-related condition. Last evaluated: 2025-05-01. Review status: criteria provided, single submitter. Criteria: ACMG Guidelines, 2015. Collection method: clinical testing. Allele origin: germline.
Comment: This variant is classified as likely benign based on ACMG/AMP sequence variant interpretation guidelines (Richards et al. 2015 PMID: 25741868, with internal and published modifications).

NM_018429.3(BDP1):c.7803T>A (p.Pro2601=)

Gene: BDP1 (BDP1 general transcription factor IIIB subunit; plus strand). Cytogenetic location: 5q13.2.
Variant type: single nucleotide variant.
Coding change: c.7803T>A on transcript NM_018429.3 (MANE Select); coding-DNA position 7803, T replaced by A.
Protein change: p.Pro2601=; no amino-acid change (proline 2601 retained).
Molecular consequence: synonymous variant.
Genome position (GRCh38, 1-based): chr5:71,564,813, T>A. VCF-style: chr5-71564813-T-A. GRCh37 (hg19) VCF-style: chr5-70860640-T-A.
Identifiers: ClinVar variation 5000500 (VCV005000500.1).
Genomic context (GRCh38, chr5:71,564,813, plus strand): 5'-GGTTTCTTGTGATCAGCCCTTACTGAAAGAAGGATATAAAAGTGCCCAAAAGCGGGCCCC[T>A]CAAGGGGAGGCAACCACAGTCTCTGAATATTTCTTCAATGATATCTTCATTGAAGTGGAT-3'
Protein context (NP_060899.2, residues 2591-2611): EGYKSAQKRA[Pro2601=]QGEATTVSEY